The following is an entry in ClinVar:

ClinVar aggregate classification (germline): Pathogenic (1 of 4 stars; one submission).

Conditions:
Melnick-Fraser syndrome (BOR). Also called: Branchiootorenal Syndrome (BORS); Branchiootorenal syndrome; Branchio-oto-renal syndrome. Identifiers: Orphanet 107, MedGen C0265234, MONDO:0007029.

Submission:

Labcorp Genetics (formerly Invitae), Labcorp
Classification: Pathogenic for Melnick-Fraser syndrome. Last evaluated: 2022-07-06. Review status: criteria provided, single submitter. Criteria: Invitae Variant Classification Sherloc (09022015). Collection method: clinical testing. Allele origin: germline.
Comment: Disruption of this splice site has been observed in individuals with clinical features of branchiootorenal spectrum disorders (PMID: 16491411; Invitae). For these reasons, this variant has been classified as Pathogenic. Algorithms developed to predict the effect of sequence changes on RNA splicing suggest that this variant may disrupt the consensus splice site. This variant is not present in population databases (gnomAD no frequency). This sequence change affects an acceptor splice site in intron 16 of the EYA1 gene. It is expected to disrupt RNA splicing. Variants that disrupt the donor or acceptor splice site typically lead to a loss of protein function (PMID: 16199547), and loss-of-function variants in EYA1 are known to be pathogenic (PMID: 10464653, 18220287).

Literature cited by the submitters: PubMed 16491411; PubMed 16199547; PubMed 10464653; PubMed 18220287.

NM_000503.6(EYA1):c.1598-1G>C

Gene: EYA1 (EYA transcriptional coactivator and phosphatase 1; minus strand). Cytogenetic location: 8q13.3.
Variant type: single nucleotide variant.
Coding change: c.1598-1G>C on transcript NM_000503.6 (MANE Select); the canonical splice acceptor site of the intron before coding-DNA position 1598, G replaced by C.
Molecular consequence: splice acceptor variant.
Genome position (GRCh38, 1-based): chr8:71,211,257, C>G on the plus strand (G>C on the coding strand, the complement: EYA1 is on the minus strand). VCF-style: chr8-71211257-C-G. GRCh37 (hg19) VCF-style: chr8-72123492-C-G.
Other names: c.1577-1G>C (NM_001370336.1); c.1685-1G>C (NM_001370333.1); c.1598-1G>C (NM_001370335.1, NM_001370334.1, NM_172058.4); c.1580-1G>C (NM_172059.5, NM_001288574.2); c.1499-1G>C (NM_001411797.1, NM_172060.4); c.1232-1G>C (NM_001288575.2).
Identifiers: ClinVar variation 2064338 (VCV002064338.4), dbSNP rs2537209067, ClinGen allele CA371466033.